The following is an entry in ClinVar:

NM_002336.3(LRP6):c.3277C>T (p.Arg1093Trp)

Gene: LRP6 (LDL receptor related protein 6; minus strand). Cytogenetic location: 12p13.2.
Variant type: single nucleotide variant.
Coding change: c.3277C>T on transcript NM_002336.3 (MANE Select); coding-DNA position 3277, C replaced by T.
Protein change: p.Arg1093Trp; replaces arginine 1093 with tryptophan.
Molecular consequence: missense variant. On other transcripts: non-coding transcript variant (1).
Genome position (GRCh38, 1-based): chr12:12,147,486, G>A on the plus strand (C>T on the coding strand, the complement: LRP6 is on the minus strand). VCF-style: chr12-12147486-G-A. GRCh37 (hg19) VCF-style: chr12-12300420-G-A.
Other names: c.3277C>T, p.Arg1093Trp (NM_001414244.1, NM_001414245.1, NM_001414246.1 and 4 more transcripts); c.3079C>T, p.Arg1027Trp (NM_001414247.1); c.2824C>T, p.Arg942Trp (NM_001414252.1, NM_001414253.1, NM_001414254.1); c.2770C>T, p.Arg924Trp (NM_001414255.1); short protein forms R1027W, R1093W, R924W, R942W.
Identifiers: ClinVar variation 3618375 (VCV003618375.2).

ClinVar aggregate classification (germline): Uncertain significance (1 of 4 stars; one submission).

gnomAD v4.1: 14 of 1,613,870 alleles (0.00087%); highest among the groups gnomAD compares: Admixed American, 0.0033%; no homozygotes.

Submission:

Labcorp Genetics (formerly Invitae), Labcorp
Classification: Uncertain significance. Last evaluated: 2024-04-18. Review status: criteria provided, single submitter. Criteria: Invitae Variant Classification Sherloc (09022015). Collection method: clinical testing. Allele origin: germline.
Comment: This sequence change replaces arginine, which is basic and polar, with tryptophan, which is neutral and slightly polar, at codon 1093 of the LRP6 protein (p.Arg1093Trp). This variant is present in population databases (rs752896710, gnomAD 0.004%). This variant has not been reported in the literature in individuals affected with LRP6-related conditions. Advanced modeling of protein sequence and biophysical properties (such as structural, functional, and spatial information, amino acid conservation, physicochemical variation, residue mobility, and thermodynamic stability) performed at Invitae indicates that this missense variant is not expected to disrupt LRP6 protein function with a negative predictive value of 80%. In summary, the available evidence is currently insufficient to determine the role of this variant in disease. Therefore, it has been classified as a Variant of Uncertain Significance.